The following is an entry in ClinVar:

NM_004304.5(ALK):c.3067+91G>A

Gene: ALK (ALK receptor tyrosine kinase; minus strand). Cytogenetic location: 2p23.2.
Variant type: single nucleotide variant.
Coding change: c.3067+91G>A on transcript NM_004304.5 (MANE Select); 91 bases into the intron after coding-DNA position 3067, G replaced by A.
Molecular consequence: intron variant.
Genome position (GRCh38, 1-based): chr2:29,226,831, C>T on the plus strand (G>A on the coding strand, the complement: ALK is on the minus strand). VCF-style: chr2-29226831-C-T. GRCh37 (hg19) VCF-style: chr2-29449697-C-T.
Identifiers: ClinVar variation 2650799 (VCV002650799.24), dbSNP rs116012417, ClinGen allele CA44634234.

ClinVar aggregate classification (germline): Likely benign (1 of 4 stars; one submission).

Allele frequency attached by ClinVar (database versions not stated): 1000 Genomes Project 0.00300; 1000 Genomes Project 30x 0.00312; TOPMed 0.00614; gnomAD 0.00710; gnomAD exomes 0.00795.
gnomAD v4.1: 11,976 of 1,529,202 alleles (0.78%); highest among the groups gnomAD compares: Non-Finnish European, 0.89%; 80 homozygotes.

Submission:

CeGaT Center for Human Genetics Tuebingen
Classification: Likely benign. Last evaluated: 2025-11-01. Review status: criteria provided, single submitter. Criteria: CeGaT Center For Human Genetics Tuebingen Variant Classification Criteria Version 2. Collection method: clinical testing. Allele origin: germline. Affected: yes. Observed: 35 variant alleles.
Comment: ALK: BS2